The following is an entry in ClinVar:

ClinVar aggregate classification (germline): Likely benign (1 of 4 stars; one submission).

gnomAD v4.1: 3,977 of 1,609,640 alleles (0.25%); highest among the groups gnomAD compares: Non-Finnish European, 0.31%; 16 homozygotes.

Submission:

CeGaT Center for Human Genetics Tuebingen
Classification: Likely benign. Last evaluated: 2025-11-01. Review status: criteria provided, single submitter. Criteria: CeGaT Center For Human Genetics Tuebingen Variant Classification Criteria Version 2. Collection method: clinical testing. Allele origin: germline. Affected: yes. Observed: 1 variant allele.
Comment: CRYZL2P-SEC16B: BP4, BS2; SEC16B: BP4, BS2

NM_033127.4(SEC16B):c.2516T>A (p.Val839Glu)

Genes: CRYZL2P-SEC16B (CRYZL2P-SEC16B readthrough; minus strand), SEC16B (SEC16 homolog B, endoplasmic reticulum export factor; minus strand). Cytogenetic location: 1q25.2.
Variant type: single nucleotide variant.
Coding change: c.2516T>A on transcript NM_033127.4 (MANE Select); coding-DNA position 2516, T replaced by A.
Protein change: p.Val839Glu; replaces valine 839 with glutamic acid.
Molecular consequence: missense variant.
Genome position (GRCh38, 1-based): chr1:177,936,353, A>T on the plus strand (T>A on the coding strand, the complement: SEC16B is on the minus strand). VCF-style: chr1-177936353-A-T. GRCh37 (hg19) VCF-style: chr1-177905488-A-T.
Other names: c.2516T>A, p.Val839Glu (NM_001356505.2, NM_001356506.2, NM_001390833.1); c.2519T>A, p.Val840Glu (NM_001390834.1, NM_001390835.1); short protein forms V839E, V840E.
Identifiers: ClinVar variation 4533544 (VCV004533544.6).